The following is an entry in ClinVar:

NM_001927.4(DES):c.346_350delinsTAGT (p.Asn116_Asp117delinsTer)

Gene: DES (desmin; plus strand). Cytogenetic location: 2q35.
Variant type: Indel.
Coding change: c.346_350delinsTAGT on transcript NM_001927.4 (MANE Select); coding-DNA positions 346 to 350, AATGA replaced by TAGT.
Protein change: p.Asn116_Asp117delinsTer.
Molecular consequence: nonsense.
Genome position (GRCh38, 1-based): chr2:219,418,808-219,418,812, AATGA replaced by TAGT. VCF-style: chr2-219418808-AATGA-TAGT. GRCh37 (hg19) VCF-style: chr2-220283530-AATGA-TAGT.
Other names: c.346_350delinsTAGT, p.Asn116_Asp117delinsTer (NM_001382708.1, NM_001382709.1, NM_001382710.1 and 3 more transcripts).
Identifiers: ClinVar variation 2171104 (VCV002171104.4), dbSNP rs2545247381, ClinGen allele CA2580065782.

ClinVar aggregate classification (germline): Pathogenic (1 of 4 stars; one submission).

Conditions:
Desmin-related myofibrillar myopathy (MFM1). Also called: Desminopathy; Desmin related myopathy (former name); Desmin storage myopathy (former name); MYOFIBRILLAR MYOPATHY WITH ARRHYTHMOGENIC RIGHT VENTRICULAR CARDIOMYOPATHY; DESMIN-RELATED MYOPATHY WITH ARRHYTHMOGENIC RIGHT VENTRICULAR CARDIOMYOPATHY; Myofibrillar myopathy 1. Identifiers: Orphanet 363543, Orphanet 98909, MedGen C1832370, MONDO:0011076, OMIM 601419.

Submission:

Labcorp Genetics (formerly Invitae), Labcorp
Classification: Pathogenic for Desmin-related myofibrillar myopathy. Last evaluated: 2022-10-17. Review status: criteria provided, single submitter. Criteria: Invitae Variant Classification Sherloc (09022015). Collection method: clinical testing. Allele origin: germline.
Comment: For these reasons, this variant has been classified as Pathogenic. This variant has not been reported in the literature in individuals affected with DES-related conditions. This variant is not present in population databases (gnomAD no frequency). This sequence change creates a premature translational stop signal (p.Asn116*) in the DES gene. It is expected to result in an absent or disrupted protein product. Loss-of-function variants in DES are known to be pathogenic (PMID: 23575897).

Literature cited by the submitters: PubMed 23575897.